The following is an entry in ClinVar:

ClinVar aggregate classification (germline): Uncertain significance. Review status: criteria provided, multiple submitters, no conflicts (2 of 4 stars). 3 submissions from 3 submitters: Uncertain significance (3). Last evaluated 2023-11-01.

Conditions:
Cardiovascular phenotype. Identifiers: MedGen CN230736.
Hereditary cancer-predisposing syndrome. Also called: Hereditary neoplastic syndrome; Tumor predisposition; Hereditary Cancer Syndrome; Neoplastic Syndromes, Hereditary. Identifiers: Orphanet 140162, MedGen C0027672, MeSH D009386, MONDO:0015356.
Neurofibromatosis, type 1 (NF1). Also called: Peripheral type neurofibromatosis; Neurofibromatosis, type I; VON RECKLINGHAUSEN DISEASE; NEUROFIBROMATOSIS, TYPE I, SOMATIC. Identifiers: Orphanet 636, MedGen C0027831, MONDO:0018975, OMIM 162200. Disease mechanism: loss of function.

Allele frequency attached by ClinVar (database versions not stated): gnomAD exomes below 0.00001; ExAC 0.00001.
gnomAD v4.1: 2 of 1,613,578 alleles (0.00012%); highest among the groups gnomAD compares: Non-Finnish European, 0.00017%; no homozygotes.

Submissions (3):

Labcorp Genetics (formerly Invitae), Labcorp
Classification: Uncertain significance for Neurofibromatosis, type 1. Last evaluated: 2023-11-01. Review status: criteria provided, single submitter. Criteria: Invitae Variant Classification Sherloc (09022015). Collection method: clinical testing. Allele origin: germline.
Comment: This sequence change replaces leucine, which is neutral and non-polar, with proline, which is neutral and non-polar, at codon 626 of the NF1 protein (p.Leu626Pro). This variant is present in population databases (rs752591958, gnomAD 0.0009%). This variant has not been reported in the literature in individuals affected with NF1-related conditions. ClinVar contains an entry for this variant (Variation ID: 576101). Advanced modeling of protein sequence and biophysical properties (such as structural, functional, and spatial information, amino acid conservation, physicochemical variation, residue mobility, and thermodynamic stability) performed at Invitae indicates that this missense variant is not expected to disrupt NF1 protein function with a negative predictive value of 95%. In summary, the available evidence is currently insufficient to determine the role of this variant in disease. Therefore, it has been classified as a Variant of Uncertain Significance.

Genome-Nilou Lab
Classification: Uncertain significance for Neurofibromatosis, type 1. Last evaluated: 2022-03-15. Review status: criteria provided, single submitter. Criteria: ACMG Guidelines, 2015. Collection method: clinical testing. Allele origin: germline. Affected: no.

Ambry Genetics
Classification: Uncertain significance for Cardiovascular phenotype; Hereditary cancer-predisposing syndrome. Last evaluated: 2019-06-07. Review status: criteria provided, single submitter. Criteria: Ambry Variant Classification Scheme 2023. Collection method: clinical testing. Allele origin: germline.
Comment: The p.L626P variant (also known as c.1877T>C), located in coding exon 17 of the NF1 gene, results from a T to C substitution at nucleotide position 1877. The leucine at codon 626 is replaced by proline, an amino acid with similar properties. This amino acid position is well conserved in available vertebrate species. In addition, this alteration is predicted to be tolerated by in silico analysis. Since supporting evidence is limited at this time, the clinical significance of this alteration remains unclear.

NM_001042492.3(NF1):c.1877T>C (p.Leu626Pro)

Gene: NF1 (neurofibromin 1; plus strand). Cytogenetic location: 17q11.2.
Variant type: single nucleotide variant.
Coding change: c.1877T>C on transcript NM_001042492.3 (MANE Select); coding-DNA position 1877, T replaced by C.
Protein change: p.Leu626Pro; replaces leucine 626 with proline.
Molecular consequence: missense variant.
Genome position (GRCh38, 1-based): chr17:31,225,126, T>C. VCF-style: chr17-31225126-T-C. GRCh37 (hg19) VCF-style: chr17-29552144-T-C.
Other names: c.1877T>C, p.Leu626Pro (NM_000267.4); short protein forms L626P.
Identifiers: ClinVar variation 576101 (VCV000576101.11), dbSNP rs752591958, ClinGen allele CA8485878.